The following is an entry in ClinVar:

NM_001845.6(COL4A1):c.1634A>G (p.Asp545Gly)

Gene: COL4A1 (collagen type IV alpha 1 chain; minus strand). Cytogenetic location: 13q34.
Variant type: single nucleotide variant.
Coding change: c.1634A>G on transcript NM_001845.6 (MANE Select); coding-DNA position 1634, A replaced by G.
Protein change: p.Asp545Gly; replaces aspartic acid 545 with glycine.
Molecular consequence: missense variant.
Genome position (GRCh38, 1-based): chr13:110,187,232, T>C on the plus strand (A>G on the coding strand, the complement: COL4A1 is on the minus strand). VCF-style: chr13-110187232-T-C. GRCh37 (hg19) VCF-style: chr13-110839579-T-C.
Other names: short protein forms D545G.
Identifiers: ClinVar variation 1717816 (VCV001717816.5), dbSNP rs2501800659, ClinGen allele CA388723038.
Genomic context (GRCh38, chr13:110,187,232, plus strand): 5'-CCATCTCTTCCAGGAGAACCCGCTCTCCCTGGCATGCCGGGCTGTCCTGGAAAGCCTGGG[T>C]CTCCTTTGTCACCTTTGAGCCGCAAGTCGAAATAAAACTCACCAGGCTCCCCCTTGGCTC-3'
Protein context (NP_001836.3, residues 535-555): FDLRLKGDKG[Asp545Gly]PGFPGQPGMP

ClinVar aggregate classification (germline): Uncertain significance (1 of 4 stars; one submission).

Allele frequency attached by ClinVar (database versions not stated): gnomAD exomes below 0.00001.
gnomAD v4.1: 2 of 1,613,734 alleles (0.00012%); highest among the groups gnomAD compares: Non-Finnish European, 0.00017%; no homozygotes.

Submission:

Labcorp Genetics (formerly Invitae), Labcorp
Classification: Uncertain significance. Last evaluated: 2022-08-23. Review status: criteria provided, single submitter. Criteria: Invitae Variant Classification Sherloc (09022015). Collection method: clinical testing. Allele origin: germline.
Comment: In summary, the available evidence is currently insufficient to determine the role of this variant in disease. Therefore, it has been classified as a Variant of Uncertain Significance. Advanced modeling of protein sequence and biophysical properties (such as structural, functional, and spatial information, amino acid conservation, physicochemical variation, residue mobility, and thermodynamic stability) performed at Invitae indicates that this missense variant is not expected to disrupt COL4A1 protein function. This variant has not been reported in the literature in individuals affected with COL4A1-related conditions. This variant is not present in population databases (gnomAD no frequency). This sequence change replaces aspartic acid, which is acidic and polar, with glycine, which is neutral and non-polar, at codon 545 of the COL4A1 protein (p.Asp545Gly).